The following is an entry in ClinVar:

NM_000218.3(KCNQ1):c.1415T>C (p.Leu472Pro)

Genes: KCNQ1 (potassium voltage-gated channel subfamily Q member 1; plus strand), KCNQ1OT1 (KCNQ1 opposite strand/antisense transcript 1; minus strand). Cytogenetic location: 11p15.5.
Variant type: single nucleotide variant.
Coding change: c.1415T>C on transcript NM_000218.3 (MANE Select); coding-DNA position 1415, T replaced by C.
Protein change: p.Leu472Pro; replaces leucine 472 with proline.
Molecular consequence: missense variant.
Genome position (GRCh38, 1-based): chr11:2,661,982, T>C. VCF-style: chr11-2661982-T-C. GRCh37 (hg19) VCF-style: chr11-2683212-T-C.
Other names: c.1319T>C, p.Leu440Pro (NM_001406836.1); c.1145T>C, p.Leu382Pro (NM_001406837.1); c.875T>C, p.Leu292Pro (NM_001406838.1); c.1034T>C, p.Leu345Pro (NM_181798.2); short protein forms L345P, L472P, L292P, L382P, L440P.
Identifiers: ClinVar variation 927487 (VCV000927487.9), dbSNP rs544402388, ClinGen allele CA216170727.

ClinVar aggregate classification (germline): Uncertain significance. Review status: criteria provided, multiple submitters, no conflicts (2 of 4 stars). 2 submissions from 2 submitters: Uncertain significance (2). Last evaluated 2022-12-05.

Conditions:
Long QT syndrome (LQTS). Identifiers: MedGen C0023976, MeSH D008133, MONDO:0002442. Disease mechanism: loss of function. Inheritance: Various modes of inheritance.
Cardiac arrhythmia. Also called: Arrhythmia; Cardiac rhythm disease. Identifiers: MedGen C0003811, MONDO:0007263, HP:0011675.

Allele frequency attached by ClinVar (database versions not stated): gnomAD exomes below 0.00001 and 0.00001; TOPMed below 0.00001; gnomAD 0.00001; 1000 Genomes Project 30x 0.00016; 1000 Genomes Project 0.00020.
gnomAD v4.1: 3 of 1,614,224 alleles (0.00019%); highest among the groups gnomAD compares: East Asian, 0.0045%; no homozygotes.

Submissions (2):

Labcorp Genetics (formerly Invitae), Labcorp
Classification: Uncertain significance for Long QT syndrome. Last evaluated: 2022-12-05. Review status: criteria provided, single submitter. Criteria: Invitae Variant Classification Sherloc (09022015). Collection method: clinical testing. Allele origin: germline.
Comment: In summary, the available evidence is currently insufficient to determine the role of this variant in disease. Therefore, it has been classified as a Variant of Uncertain Significance. Advanced modeling of protein sequence and biophysical properties (such as structural, functional, and spatial information, amino acid conservation, physicochemical variation, residue mobility, and thermodynamic stability) has been performed at Invitae for this missense variant, however the output from this modeling did not meet the statistical confidence thresholds required to predict the impact of this variant on KCNQ1 protein function. ClinVar contains an entry for this variant (Variation ID: 927487). This variant has not been reported in the literature in individuals affected with KCNQ1-related conditions. This variant is present in population databases (rs544402388, gnomAD 0.006%). This sequence change replaces leucine, which is neutral and non-polar, with proline, which is neutral and non-polar, at codon 472 of the KCNQ1 protein (p.Leu472Pro).

Color Diagnostics, LLC DBA Color Health
Classification: Uncertain significance for Cardiac arrhythmia. Last evaluated: 2019-05-22. Review status: criteria provided, single submitter. Criteria: ACMG Guidelines, 2015. Collection method: clinical testing. Allele origin: germline.
Comment: This missense variant replaces leucine with proline at codon 472 of the KCNQ1 protein. Computational prediction tools and conservation analyses are inconclusive regarding the impact of this variant on the protein function. Computational splicing tools suggest that this variant may not impact RNA splicing. To our knowledge, functional assays have not been performed for this variant nor has this variant been reported in individuals affected with cardiovascular disorders in the literature. This variant has been identified in 2/251442 chromosomes in the general population by the Genome Aggregation Database (gnomAD). Available evidence is insufficient to determine the role of this variant in disease conclusively. Therefore, this variant is classified as a Variant of Uncertain Significance.